The following is an entry in ClinVar:

NM_001197104.2(KMT2A):c.8120G>A (p.Arg2707Gln)

Gene: KMT2A (lysine methyltransferase 2A; plus strand). Cytogenetic location: 11q23.3.
Variant type: single nucleotide variant.
Coding change: c.8120G>A on transcript NM_001197104.2 (MANE Select); coding-DNA position 8120, G replaced by A.
Protein change: p.Arg2707Gln; replaces arginine 2707 with glutamine.
Molecular consequence: missense variant.
Genome position (GRCh38, 1-based): chr11:118,504,012, G>A. VCF-style: chr11-118504012-G-A. GRCh37 (hg19) VCF-style: chr11-118374727-G-A.
Other names: c.8111G>A, p.Arg2704Gln (NM_005933.4); short protein forms R2707Q, R2704Q.
Identifiers: ClinVar variation 1514882 (VCV001514882.8), dbSNP rs1327510788, ClinGen allele CA382808754.

ClinVar aggregate classification (germline): Uncertain significance (1 of 4 stars; one submission).

Allele frequency attached by ClinVar (database versions not stated): gnomAD exomes 0.00001; TOPMed 0.00002; gnomAD 0.00003 and 0.00004.
gnomAD v4.1: 27 of 1,614,028 alleles (0.0017%); highest among the groups gnomAD compares: African/African-American, 0.008%; no homozygotes.

Submission:

Labcorp Genetics (formerly Invitae), Labcorp
Classification: Uncertain significance. Last evaluated: 2024-12-16. Review status: criteria provided, single submitter. Criteria: Invitae Variant Classification Sherloc (09022015). Collection method: clinical testing. Allele origin: germline.
Comment: This sequence change replaces arginine, which is basic and polar, with glutamine, which is neutral and polar, at codon 2707 of the KMT2A protein (p.Arg2707Gln). This variant is present in population databases (no rsID available, gnomAD 0.008%). This variant has not been reported in the literature in individuals affected with KMT2A-related conditions. ClinVar contains an entry for this variant (Variation ID: 1514882). Invitae Evidence Modeling of protein sequence and biophysical properties (such as structural, functional, and spatial information, amino acid conservation, physicochemical variation, residue mobility, and thermodynamic stability) indicates that this missense variant is not expected to disrupt KMT2A protein function with a negative predictive value of 95%. In summary, the available evidence is currently insufficient to determine the role of this variant in disease. Therefore, it has been classified as a Variant of Uncertain Significance.